The following is an entry in ClinVar:

NM_000702.4(ATP1A2):c.2709G>C (p.Trp903Cys)

Gene: ATP1A2 (ATPase Na+/K+ transporting subunit alpha 2; plus strand). Cytogenetic location: 1q23.2.
Variant type: single nucleotide variant.
Coding change: c.2709G>C on transcript NM_000702.4 (MANE Select); coding-DNA position 2709, G replaced by C.
Protein change: p.Trp903Cys; replaces tryptophan 903 with cysteine.
Molecular consequence: missense variant.
Genome position (GRCh38, 1-based): chr1:160,136,715, G>C. VCF-style: chr1-160136715-G-C. GRCh37 (hg19) VCF-style: chr1-160106505-G-C.
Other names: short protein forms W903C.
Identifiers: ClinVar variation 3658426 (VCV003658426.2).
Genomic context (GRCh38, chr1:160,136,715, plus strand): 5'-CCGCCTCGACTGGGATGACCGGACCATGAATGATCTGGAGGACAGCTATGGACAGGAGTG[G>C]GTGAGTGGTGCTGTGTAAACACAGCGCACATGTGTGAAGGTACGGGAAGCTGAATGCCTG-3'
Protein context (NP_000693.1, residues 893-913): NDLEDSYGQE[Trp903Cys]TYEQRKVVEF

ClinVar aggregate classification (germline): Uncertain significance (1 of 4 stars; one submission).

Conditions:
Familial hemiplegic migraine. Identifiers: MedGen C0338484, MONDO:0000700.

Submission:

Labcorp Genetics (formerly Invitae), Labcorp
Classification: Uncertain significance for Familial hemiplegic migraine. Last evaluated: 2024-07-01. Review status: criteria provided, single submitter. Criteria: Invitae Variant Classification Sherloc (09022015). Collection method: clinical testing. Allele origin: germline.
Comment: This sequence change replaces tryptophan, which is neutral and slightly polar, with cysteine, which is neutral and slightly polar, at codon 903 of the ATP1A2 protein (p.Trp903Cys). This variant also falls at the last nucleotide of exon 19, which is part of the consensus splice site for this exon. This variant is not present in population databases (gnomAD no frequency). This variant has not been reported in the literature in individuals affected with ATP1A2-related conditions. An algorithm developed to predict the effect of missense changes on protein structure and function (PolyPhen-2) suggests that this variant is likely to be disruptive. Variants that disrupt the consensus splice site are a relatively common cause of aberrant splicing (PMID: 17576681, 9536098). Algorithms developed to predict the effect of sequence changes on RNA splicing suggest that this variant may disrupt the consensus splice site. In summary, the available evidence is currently insufficient to determine the role of this variant in disease. Therefore, it has been classified as a Variant of Uncertain Significance.

Literature cited by the submitters: PubMed 17576681; PubMed 9536098.